The following is an entry in ClinVar:

NM_000297.4(PKD2):c.2570T>C (p.Val857Ala)

Gene: PKD2 (polycystin 2, transient receptor potential cation channel; plus strand). Cytogenetic location: 4q22.1.
Variant type: single nucleotide variant.
Coding change: c.2570T>C on transcript NM_000297.4 (MANE Select); coding-DNA position 2570, T replaced by C.
Protein change: p.Val857Ala; replaces valine 857 with alanine.
Molecular consequence: missense variant. On other transcripts: non-coding transcript variant (1).
Genome position (GRCh38, 1-based): chr4:88,074,859, T>C. VCF-style: chr4-88074859-T-C. GRCh37 (hg19) VCF-style: chr4-88996011-T-C.
Other names: short protein forms V857A.
Identifiers: ClinVar variation 2633018 (VCV002633018.2), dbSNP rs375160482, ClinGen allele CA3004295.

ClinVar aggregate classification (germline): Uncertain significance. Review status: criteria provided, multiple submitters, no conflicts (2 of 4 stars). 2 submissions from 2 submitters: Uncertain significance (2). Last evaluated 2026-01-17.

Conditions:
PKD2-related disorder. Also called: PKD2-related condition.
Autosomal dominant polycystic kidney disease. Identifiers: Orphanet 730, MedGen C0085413, MONDO:0004691.

Allele frequency attached by ClinVar (database versions not stated): gnomAD exomes below 0.00001; TOPMed below 0.00001; gnomAD 0.00001; ExAC 0.00002; ESP Exome Variant Server 0.00008.
gnomAD v4.1: 8 of 1,613,996 alleles (0.0005%); highest among the groups gnomAD compares: Non-Finnish European, 0.00068%; no homozygotes.

Submissions (2):

Labcorp Genetics (formerly Invitae), Labcorp
Classification: Uncertain significance for Autosomal dominant polycystic kidney disease. Last evaluated: 2026-01-17. Review status: criteria provided, single submitter. Criteria: Invitae Variant Classification Sherloc (09022015). Collection method: clinical testing. Allele origin: germline.
Comment: This sequence change replaces valine, which is neutral and non-polar, with alanine, which is neutral and non-polar, at codon 857 of the PKD2 protein (p.Val857Ala). This variant is present in population databases (rs375160482, gnomAD 0.002%). This variant has not been reported in the literature in individuals affected with PKD2-related conditions. ClinVar contains an entry for this variant (Variation ID: 2633018). Invitae Evidence Modeling of protein sequence and biophysical properties (such as structural, functional, and spatial information, amino acid conservation, physicochemical variation, residue mobility, and thermodynamic stability) has been performed for this missense variant. However, the output from this modeling did not meet the statistical confidence thresholds required to predict the impact of this variant on PKD2 protein function. In summary, the available evidence is currently insufficient to determine the role of this variant in disease. Therefore, it has been classified as a Variant of Uncertain Significance.

PreventionGenetics, part of Exact Sciences
Classification: Uncertain significance for PKD2-related condition. Last evaluated: 2023-05-04. Review status: criteria provided, single submitter. Criteria: ACMG Guidelines, 2015. Collection method: clinical testing. Allele origin: germline.
Comment: The PKD2 c.2570T>C variant is predicted to result in the amino acid substitution p.Val857Ala. To our knowledge, this variant has not been reported in the literature. This variant is reported in 0.0023% of alleles in individuals of European (Non-Finnish) descent in gnomAD. At this time, the clinical significance of this variant is uncertain due to the absence of conclusive functional and genetic evidence.